The following is an entry in ClinVar:

ClinVar aggregate classification (germline): Uncertain significance. Review status: criteria provided, multiple submitters, no conflicts (2 of 4 stars). 4 submissions from 4 submitters: Uncertain significance (3). 1 of the submissions does not count toward it. Last evaluated 2022-08-16.

Conditions:
Nemaline myopathy 2 (NEM2). Also called: Nemaline myopathy 2, autosomal recessive. Identifiers: MedGen C1850569, MONDO:0009725, OMIM 256030.
Inborn genetic diseases. Identifiers: MedGen C0950123, MeSH D030342.

Allele frequency attached by ClinVar (database versions not stated): ExAC 0.00002; gnomAD exomes 0.00001 and 0.00003; TOPMed 0.00003; gnomAD 0.00002.
gnomAD v4.1: 46 of 1,605,376 alleles (0.0029%); highest among the groups gnomAD compares: Non-Finnish European, 0.0037%; no homozygotes.

Submissions (4):

Labcorp Genetics (formerly Invitae), Labcorp
Classification: Uncertain significance for Nemaline myopathy 2. Last evaluated: 2022-08-16. Review status: criteria provided, single submitter. Criteria: Invitae Variant Classification Sherloc (09022015). Collection method: clinical testing. Allele origin: germline.
Comment: This sequence change replaces glutamic acid, which is acidic and polar, with lysine, which is basic and polar, at codon 332 of the NEB protein (p.Glu332Lys). This variant is present in population databases (rs748518353, gnomAD 0.004%). This variant has not been reported in the literature in individuals affected with NEB-related conditions. ClinVar contains an entry for this variant (Variation ID: 285624). Algorithms developed to predict the effect of missense changes on protein structure and function are either unavailable or do not agree on the potential impact of this missense change (SIFT: "Deleterious"; PolyPhen-2: "Not Available"; Align-GVGD: "Class C0"). In summary, the available evidence is currently insufficient to determine the role of this variant in disease. Therefore, it has been classified as a Variant of Uncertain Significance.

Ambry Genetics
Classification: Uncertain significance for Inborn genetic diseases. Last evaluated: 2021-12-07. Review status: criteria provided, single submitter. Criteria: Ambry Variant Classification Scheme 2023. Collection method: clinical testing. Allele origin: germline.

Eurofins Ntd Llc (ga)
Classification: Uncertain significance. Last evaluated: 2016-01-05. Review status: criteria provided, single submitter. Criteria: EGL Classification Definitions 2015. Collection method: clinical testing. Allele origin: germline. Observed: 1 variant allele, 1 heterozygote.

Natera, Inc.
Classification: Uncertain significance for Nemaline myopathy type 2. Last evaluated: 2021-07-19. Review status: no assertion criteria provided. Collection method: clinical testing. Allele origin: germline. Not counted in ClinVar's aggregate classification.

NM_001164508.2(NEB):c.994G>A (p.Glu332Lys)

Gene: NEB (nebulin; minus strand). Cytogenetic location: 2q23.3.
Variant type: single nucleotide variant.
Coding change: c.994G>A on transcript NM_001164508.2 (MANE Select); coding-DNA position 994, G replaced by A.
Protein change: p.Glu332Lys; replaces glutamic acid 332 with lysine.
Molecular consequence: missense variant.
Genome position (GRCh38, 1-based): chr2:151,709,697, C>T on the plus strand (G>A on the coding strand, the complement: NEB is on the minus strand). VCF-style: chr2-151709697-C-T. GRCh37 (hg19) VCF-style: chr2-152566211-C-T.
Other names: c.994G>A, p.Glu332Lys (NM_001164507.2, NM_001271208.2, NM_004543.5); c.994G>A (NM_004543.4); short protein forms E332K.
Identifiers: ClinVar variation 285624 (VCV000285624.10), dbSNP rs748518353, ClinGen allele CA1911720.